The following is an entry in ClinVar:

NC_000005.9:g.(?_118788261)_(118792073_?)del

Gene: HSD17B4 (hydroxysteroid 17-beta dehydrogenase 4; plus strand). Cytogenetic location: 5q23.1.
Variant type: Deletion.
Identifiers: ClinVar variation 3246319 (VCV003246319.1).

ClinVar aggregate classification (germline): Pathogenic (1 of 4 stars; one submission).

Conditions:
Bifunctional peroxisomal enzyme deficiency (DBIF). Also called: PBFE DEFICIENCY; D-bifunctional protein deficiency; DBP DEFICIENCY. Identifiers: Orphanet 300, MedGen C0342870, MONDO:0009855, OMIM 261515. Disease mechanism: loss of function.
Perrault syndrome. Also called: Gonadal dysgenesis with auditory dysfunction, autosomal recessive inheritance. Identifiers: Orphanet 2855, MedGen C0685838, MONDO:0017312.

Submission:

Labcorp Genetics (formerly Invitae), Labcorp
Classification: Pathogenic for Perrault syndrome; Bifunctional peroxisomal enzyme deficiency. Last evaluated: 2022-04-08. Review status: criteria provided, single submitter. Criteria: Invitae Variant Classification Sherloc (09022015). Collection method: clinical testing. Allele origin: unknown.
Comment: This variant is a gross deletion of the genomic region encompassing exon(s) 1-2 of the HSD17B4 gene, which includes the initiator codon. This deletion extends beyond the assayed region for this gene and therefore may encompass additional genes. It is expected to result in an absent or disrupted protein product. Loss-of-function variants in HSD17B4 are known to be pathogenic (PMID: 11810648, 16385454). This variant has not been reported in the literature in individuals affected with HSD17B4-related conditions. For these reasons, this variant has been classified as Pathogenic.

Literature cited by the submitters: PubMed 11810648; PubMed 16385454.